The following is an entry in ClinVar:

NM_000138.5(FBN1):c.8211T>G (p.Asp2737Glu)

Gene: FBN1 (fibrillin 1; minus strand). Cytogenetic location: 15q21.1.
Variant type: single nucleotide variant.
Coding change: c.8211T>G on transcript NM_000138.5 (MANE Select); coding-DNA position 8211, T replaced by G.
Protein change: p.Asp2737Glu; replaces aspartic acid 2737 with glutamic acid.
Molecular consequence: missense variant.
Genome position (GRCh38, 1-based): chr15:48,412,584, A>C on the plus strand (T>G on the coding strand, the complement: FBN1 is on the minus strand). VCF-style: chr15-48412584-A-C. GRCh37 (hg19) VCF-style: chr15-48704781-A-C.
Other names: c.8211T>G, p.Asp2737Glu (NM_001406716.1); short protein forms D2737E.
Identifiers: ClinVar variation 2572346 (VCV002572346.1), dbSNP rs1221183561, ClinGen allele CA392320710.

ClinVar aggregate classification (germline): Uncertain significance (1 of 4 stars; one submission).

Allele frequency attached by ClinVar (database versions not stated): gnomAD exomes 0.00001.
gnomAD v4.1: 8 of 1,614,076 alleles (0.0005%); highest among the groups gnomAD compares: Non-Finnish European, 0.00068%; no homozygotes.

Submission:

Greenwood Genetic Center Diagnostic Laboratories, Greenwood Genetic Center
Classification: Uncertain significance. Last evaluated: 2023-04-19. Review status: criteria provided, single submitter. Criteria: ACMG Guidelines, 2015. Collection method: clinical testing. Allele origin: germline. Affected: yes.
Comment: PM2